The following is an entry in ClinVar:

ClinVar aggregate classification (germline): Uncertain significance (1 of 4 stars; one submission).

Conditions:
Hereditary cancer-predisposing syndrome. Also called: Neoplastic Syndromes, Hereditary; Tumor predisposition; Hereditary Cancer Syndrome; Hereditary neoplastic syndrome. Identifiers: Orphanet 140162, MedGen C0027672, MeSH D009386, MONDO:0015356.

Submission:

Ambry Genetics
Classification: Uncertain significance for Hereditary cancer-predisposing syndrome. Last evaluated: 2016-07-15. Review status: criteria provided, single submitter. Criteria: Ambry Variant Classification Scheme 2023. Collection method: clinical testing. Allele origin: germline.
Comment: The p.S2132A variant (also known as c.6394T>G), located in coding exon 15 of the APC gene, results from a T to G substitution at nucleotide position 6394. The serine at codon 2132 is replaced by alanine, an amino acid with similar properties. This variant was not reported in population based cohorts in the following databases: Database of Single Nucleotide Polymorphisms (dbSNP), NHLBI Exome Sequencing Project (ESP), and 1000 Genomes Project. In the ESP, this variant was not observed in 6502 samples (13004 alleles) with coverage at this position. To date, this alteration has been detected with an allele frequency of approximately 0.001% (greater than 90000 alleles tested) in our clinical cohort. This amino acid position is highly conserved in available vertebrate species. In addition, in silico predictors for this gene do not accurately predict pathogenicity. Since supporting evidence is limited at this time, the clinical significance of this alteration remains unclear.

NM_000038.6(APC):c.6394T>G (p.Ser2132Ala)

Gene: APC (APC regulator of Wnt signaling pathway; plus strand). Cytogenetic location: 5q22.2.
Variant type: single nucleotide variant.
Coding change: c.6394T>G on transcript NM_000038.6 (MANE Select); coding-DNA position 6394, T replaced by G.
Protein change: p.Ser2132Ala; replaces serine 2132 with alanine.
Molecular consequence: missense variant.
Genome position (GRCh38, 1-based): chr5:112,841,988, T>G. VCF-style: chr5-112841988-T-G. GRCh37 (hg19) VCF-style: chr5-112177685-T-G.
Other names: c.6394T>G, p.Ser2132Ala (NM_001127510.3, NM_001354895.2); c.6340T>G, p.Ser2114Ala (NM_001127511.3); c.6448T>G, p.Ser2150Ala (NM_001354896.2); c.6424T>G, p.Ser2142Ala (NM_001354897.2); c.6319T>G, p.Ser2107Ala (NM_001354898.2); c.6310T>G, p.Ser2104Ala (NM_001354899.2); c.6271T>G, p.Ser2091Ala (NM_001354900.2); c.6217T>G, p.Ser2073Ala (NM_001354901.2); and 5 more; short protein forms S2132A, S2114A, S1972A, S2041A, S2073A, S2104A, S2031A, S2142A.
Identifiers: ClinVar variation 485129 (VCV000485129.5), dbSNP rs1554087394, ClinGen allele CA16035332.